The following is an entry in ClinVar:

ClinVar aggregate classification (germline): Likely benign. Review status: criteria provided, multiple submitters, no conflicts (2 of 4 stars). 2 submissions from 2 submitters: Likely benign (2). Last evaluated 2025-11-24.

Conditions:
Bethlem myopathy 1A. Also called: MYOPATHY, BENIGN CONGENITAL, WITH CONTRACTURES; Bethlem myopathy 1; Bethlem Muscular Dystrophy. Identifiers: Orphanet 610, MedGen CN029274, MONDO:0024530, OMIM 158810.

Allele frequency attached by ClinVar (database versions not stated): 1000 Genomes Project 30x 0.00031; 1000 Genomes Project 0.00040.
gnomAD v4.1: 82 of 1,614,148 alleles (0.0051%); highest among the groups gnomAD compares: South Asian, 0.083%; no homozygotes.

Submissions (2):

Labcorp Genetics (formerly Invitae), Labcorp
Classification: Likely benign for Bethlem myopathy 1A. Last evaluated: 2025-11-24. Review status: criteria provided, single submitter. Criteria: Invitae Variant Classification Sherloc (09022015). Collection method: clinical testing. Allele origin: germline.

GeneDx
Classification: Likely benign. Last evaluated: 2017-05-10. Review status: criteria provided, single submitter. Criteria: GeneDx Variant Classification (06012015). Collection method: clinical testing. Allele origin: germline. Affected: yes.
Comment: This variant is considered likely benign or benign based on one or more of the following criteria: it is a conservative change, it occurs at a poorly conserved position in the protein, it is predicted to be benign by multiple in silico algorithms, and/or has population frequency not consistent with disease.

NM_004369.4(COL6A3):c.7162+11G>A

Gene: COL6A3 (collagen type VI alpha 3 chain; minus strand). Cytogenetic location: 2q37.3.
Variant type: single nucleotide variant.
Coding change: c.7162+11G>A on transcript NM_004369.4 (MANE Select); 11 bases into the intron after coding-DNA position 7162, G replaced by A.
Molecular consequence: intron variant.
Genome position (GRCh38, 1-based): chr2:237,345,047, C>T on the plus strand (G>A on the coding strand, the complement: COL6A3 is on the minus strand). VCF-style: chr2-237345047-C-T. GRCh37 (hg19) VCF-style: chr2-238253690-C-T.
Other names: c.5341+11G>A (NM_057166.5); c.6544+11G>A (NM_057167.4).
Identifiers: ClinVar variation 509508 (VCV000509508.9), dbSNP rs540897134, ClinGen allele CA2187897.
Genomic context (GRCh38, chr2:237,345,047, plus strand): 5'-ACTACTCTACCATGTGAGAATTTCGAATGTAAAAATATGCATTGTGAGACAACAGAAAAT[C>T]ATGTACTTACGGCATTTATCTTTGATGCTTTGGATGAGGGCACATTGCTTTAAAAGAAAA-3'